The following is an entry in ClinVar:

ClinVar aggregate classification (germline): Uncertain significance (1 of 4 stars; one submission).

Allele frequency attached by ClinVar (database versions not stated): gnomAD exomes below 0.00001.
gnomAD v4.1: 2 of 1,614,154 alleles (0.00012%); highest among the groups gnomAD compares: Non-Finnish European, 0.00017%; no homozygotes.

Submission:

Labcorp Genetics (formerly Invitae), Labcorp
Classification: Uncertain significance. Last evaluated: 2023-09-27. Review status: criteria provided, single submitter. Criteria: Invitae Variant Classification Sherloc (09022015). Collection method: clinical testing. Allele origin: germline.
Comment: ClinVar contains an entry for this variant (Variation ID: 2064627). This variant has not been reported in the literature in individuals affected with MSH3-related conditions. This variant is not present in population databases (gnomAD no frequency). This sequence change replaces glutamic acid, which is acidic and polar, with aspartic acid, which is acidic and polar, at codon 425 of the MSH3 protein (p.Glu425Asp). An algorithm developed to predict the effect of missense changes on protein structure and function (PolyPhen-2) suggests that this variant is likely to be disruptive. In summary, the available evidence is currently insufficient to determine the role of this variant in disease. Therefore, it has been classified as a Variant of Uncertain Significance.

NM_002439.5(MSH3):c.1275G>C (p.Glu425Asp)

Gene: MSH3 (mutS homolog 3; plus strand). Cytogenetic location: 5q14.1.
Variant type: single nucleotide variant.
Coding change: c.1275G>C on transcript NM_002439.5 (MANE Select); coding-DNA position 1275, G replaced by C.
Protein change: p.Glu425Asp; replaces glutamic acid 425 with aspartic acid.
Molecular consequence: missense variant.
Genome position (GRCh38, 1-based): chr5:80,679,028, G>C. VCF-style: chr5-80679028-G-C. GRCh37 (hg19) VCF-style: chr5-79974847-G-C.
Other names: short protein forms E425D.
Identifiers: ClinVar variation 2064627 (VCV002064627.4), dbSNP rs2546726632, ClinGen allele CA360269025.